The following is an entry in ClinVar:

ClinVar aggregate classification (germline): Conflicting classifications of pathogenicity. Review status: criteria provided, conflicting classifications (1 of 4 stars). 18 submissions from 18 submitters: Uncertain significance (7); Likely benign (7). 4 of the submissions do not count toward it. Last evaluated 2025-07-17.

Conditions:
MSH6-related disorder. Also called: MSH6-related condition; MSH6-Related disorders.
Hereditary cancer-predisposing syndrome. Also called: Hereditary Cancer Syndrome; Tumor predisposition; Neoplastic Syndromes, Hereditary; Hereditary neoplastic syndrome. Identifiers: Orphanet 140162, MedGen C0027672, MeSH D009386, MONDO:0015356.
Lynch syndrome. Identifiers: Orphanet 144, MedGen C4552100, MONDO:0005835. Disease mechanism: loss of function.
Lynch syndrome 5 (LYNCH5). Also called: Hereditary non-polyposis colorectal cancer, type 5; Colorectal cancer, hereditary nonpolyposis, type 5. Identifiers: Orphanet 144, MedGen C1833477, MONDO:0013710, OMIM 614350. Disease mechanism: loss of function.
Endometrial carcinoma. Also called: Endometrial carcinoma, somatic. Identifiers: MedGen C0476089, MONDO:0002447, OMIM 608089, HP:0012114.

Allele frequency attached by ClinVar (database versions not stated): gnomAD 0.00003; ExAC 0.00005; gnomAD exomes 0.00008 and 0.00012; TOPMed 0.00012; 1000 Genomes Project 30x 0.00016; 1000 Genomes Project 0.00020.

Submissions (18):

Institute for Biomarker Research, Medical Diagnostic Laboratories, L.L.C.
Classification: Likely benign for Hereditary cancer-predisposing syndrome. Last evaluated: 2025-07-17. Review status: criteria provided, single submitter. Criteria: ACMG Guidelines, 2015. Collection method: clinical testing. Allele origin: germline.
Comment: The 5' prime UTR variant NM_000179.3(MSH6):c.-8C>T has not been reported previously as a pathogenic variant, to our knowledge. The variant is observed in one or more well-documented healthy adults. The c.-8C>T variant is a UTR variant. For these reasons, this variant has been classified as Likely Benign.

Center for Genomic Medicine, Rigshospitalet, Copenhagen University Hospital
Classification: Uncertain significance. Last evaluated: 2025-03-04. Review status: criteria provided, single submitter. Criteria: ACMG Guidelines, 2015. Collection method: clinical testing. Allele origin: germline.

Women's Health and Genetics/Laboratory Corporation of America, LabCorp
Classification: Uncertain significance. Last evaluated: 2025-02-25. Review status: criteria provided, single submitter. Criteria: LabCorp Variant Classification Summary - May 2015. Collection method: clinical testing. Allele origin: germline.
Comment: Variant summary: MSH6 c.-8C>T is located in the untranslated mRNA region upstream of the initiation codon. The variant allele was found at a frequency of 9.1e-05 in 1611260 control chromosomes in the gnomAD database, including 1 homozygote. This frequency is not significantly higher than estimated for a pathogenic variant in MSH6 causing Hereditary Nonpolyposis Colorectal Cancer (9.1e-05 vs 0.00014), allowing no conclusion about variant significance. c.-8C>T has been reported in the literature without strong evidence for or against pathogenicity (de Oliveira_2022). This report does not provide unequivocal conclusions about association of the variant with Hereditary Nonpolyposis Colorectal Cancer. To our knowledge, no experimental evidence demonstrating an impact on protein function has been reported. The following publications have been ascertained in the context of this evaluation (PMID: 26888055, 35534704). ClinVar contains an entry for this variant (Variation ID: 89164). Based on the evidence outlined above, the variant was classified as VUS-possibly benign.

Myriad Genetics, Inc.
Classification: Likely benign for Lynch syndrome 5. Last evaluated: 2024-12-16. Review status: criteria provided, single submitter. Criteria: Myriad Autosomal Dominant, Autosomal Recessive and X-Linked Classification Criteria (2023). Collection method: clinical testing. Allele origin: unknown.
Comment: This variant is considered likely benign. This variant is strongly associated with less severe personal and family histories of cancer, typical for individuals without pathogenic variants in this gene [PMID: 27363726].

Blueprint Genetics
Classification: Likely benign. Last evaluated: 2024-09-06. Review status: criteria provided, single submitter. Criteria: ACMG Guidelines, 2015. Collection method: clinical testing. Allele origin: germline.

All of Us Research Program, National Institutes of Health
Classification: Likely benign for Lynch syndrome. Last evaluated: 2024-01-03. Review status: criteria provided, single submitter. Criteria: ACMG Guidelines, 2015. Collection method: clinical testing. Allele origin: germline. Inheritance: Autosomal dominant inheritance. Observed: 36 variant alleles, 36 heterozygotes.
Comment: This study involves interpretation of variants in research participants for the purpose of population health screening. Participant phenotype was not available at the time of variant classification. Additional details can be found in publication PMID: 35346344, PMCID: PMC8962531

Quest Diagnostics Nichols Institute San Juan Capistrano
Classification: Likely benign. Last evaluated: 2023-10-27. Review status: criteria provided, single submitter. Criteria: Quest Diagnostics criteria. Collection method: clinical testing. Allele origin: unknown.

KCCC/NGS Laboratory, Kuwait Cancer Control Center
Classification: Uncertain significance for Lynch syndrome 5. Last evaluated: 2023-07-07. Review status: criteria provided, single submitter. Criteria: ACMG Guidelines, 2015. Collection method: clinical testing. Allele origin: unknown. Affected: yes.
Comment: This alteration results in substitution of nucleotide T for C in the 8 position upstream from codon one (5 prime untranslated region). This variant’s frequency is reported as T=0.00005 (6/115414, ExAC), T=0.000 (1/5008, 1000G), and T=0.0000 (1/30878, GnomAD). This variant is also reported in ClinVar as variant of unknown significance (10 reports). This variant is considered as variant of unknown significance.

Color Diagnostics, LLC DBA Color Health
Classification: Likely benign for Hereditary cancer-predisposing syndrome. Last evaluated: 2021-12-09. Review status: criteria provided, single submitter. Criteria: ACMG Guidelines, 2015. Collection method: clinical testing. Allele origin: germline.

GeneDx
Classification: Likely benign. Last evaluated: 2020-06-09. Review status: criteria provided, single submitter. Criteria: GeneDx Variant Classification Process June 2021. Collection method: clinical testing. Allele origin: germline. Affected: yes.
Comment: Located in a region that tolerates variation and lacks pathogenic variants; This variant is associated with the following publications: (PMID: 26888055)

CeGaT Center for Human Genetics Tuebingen
Classification: Uncertain significance. Last evaluated: 2019-05-01. Review status: criteria provided, single submitter. Criteria: CeGaT Center For Human Genetics Tuebingen Variant Classification Criteria Version 2. Collection method: clinical testing. Allele origin: germline. Affected: yes. Observed: 2 variant alleles.

ARUP Laboratories, Molecular Genetics and Genomics, ARUP Laboratories
Classification: Uncertain significance. Last evaluated: 2018-01-28. Review status: criteria provided, single submitter. Criteria: ARUP Molecular Germline Variant Investigation Process. Collection method: clinical testing. Allele origin: germline.
Comment: The MSH6 c.-8C>T variant (rs565211544) is not published in the medical literature, to our knowledge, but is listed as a variant of uncertain significance by several sources in the ClinVar database (Variation ID: 89164). The variant is listed in the Genome Aggregation Database in 30 out of 270614 alleles. This variant occurs 8 nucleotides before the translational start, the nucleotide at this position is not perfectly conserved across species, and the consequence of this substitution cannot be predicted with certainty. Studies of the transcriptional regulation of this region indicate this nucleotide may be involved in the regulation of this gene (Gazzoli 2003, Szadkowski 2002). Additionally, a translational prediction algorithm (NetStart 1.0) predicts this variant may alter translation. Considering available information, the clinical significance of this variant cannot be determined with certainty. References: Gazzoli I and Kolodner R. Regulation of the human MSH6 gene by the Sp1 transcription factor and alteration of promoter activity and expression by polymorphisms. Mol Cell Biol. 2003 Nov;23(22):7992-8007. Szadkowski M and Jiricny J. Identification and functional characterization of the promoter region of the human MSH6 gene. Genes Chromosomes Cancer. 2002 Jan;33(1):36-46.

Genetic Services Laboratory, University of Chicago
Classification: Uncertain significance. Last evaluated: 2016-02-26. Review status: criteria provided, single submitter. Criteria: ACMG Guidelines, 2015. Collection method: clinical testing. Allele origin: germline. Affected: no.

Ambry Genetics
Classification: Uncertain significance for Hereditary cancer-predisposing syndrome. Last evaluated: 2013-12-31. Review status: criteria provided, single submitter. Criteria: Ambry Autosomal Dominant and X-Linked criteria (10/2015). Collection method: clinical testing. Allele origin: germline. Observed: 1 variant allele.
Comment: The c.-8C>T variant is located in the 5' untranslated region (5Ã¢â‚¬â„¢ UTR) of the MSH6 gene. This variant results from a C to T substitution 8 nucleotides upstream from the first translated codon. This variant was not reported in population based cohorts in the following databases: Database of Single Nucleotide Polymorphisms (dbSNP), NHLBI Exome Sequencing Project (ESP), and 1000 Genomes Project.To date, this alteration has been detected with an allele frequency of approximately 0.02% (greater than 12,000 alleles tested) in our clinical cohort (includes this individual).This nucleotide position is well conserved in available vertebrate species.Since supporting evidence for this variant is limited at this time, the clinical significance of this variant remains unclear.

PreventionGenetics, part of Exact Sciences
Classification: Likely benign for MSH6-related condition. Last evaluated: 2020-03-08. Review status: no assertion criteria provided. Collection method: clinical testing. Allele origin: germline. Not counted in ClinVar's aggregate classification.
Comment: This variant is classified as likely benign based on ACMG/AMP sequence variant interpretation guidelines (Richards et al. 2015 PMID: 25741868, with internal and published modifications).

Counsyl
Classification: Uncertain significance for Lynch syndrome 5. Last evaluated: 2016-07-05. Review status: no assertion criteria provided. Collection method: clinical testing. Allele origin: unknown. Not counted in ClinVar's aggregate classification.

Department of Pathology and Laboratory Medicine, Sinai Health System
Classification: Uncertain significance for Endometrial carcinoma. Review status: no assertion criteria provided. Collection method: clinical testing. Allele origin: unknown. Affected: yes. Study: The Canadian Open Genetics Repository (COGR). Not counted in ClinVar's aggregate classification.
Comment: The MSH6 c.-8C>T variant was not identified in literature nor the UMD-LSDB database. The variant was identified in dbSNP (ID: rs565211544) as "With other allele", ClinVar (classified as uncertain significance by Ambry Genetics, Counsyl, Quest Diagnostics, ARUP Laboratories, Mayo Clinic, Integrated Genetics, InSiGHT, University of Chicago; classified as benign by GeneDx). The variant was identified in control databases in 30 of 270614 chromosomes (1 homozygous) at a frequency of 0.0001 (Genome Aggregation Database Feb 27, 2017). The variant was observed in the following populations: Latino in 3 of 34030 chromosomes (freq: 0.00009), European Non-Finnish in 11 of 122794 chromosomes (freq: 0.00009), European Finnish in 3 of 25752 chromosomes (freq: 0.0001), and South Asian in 13 of 30416 chromosomes (freq: 0.0004, increasing the likelihood this could be a low frequency benign variant), while the variant was not observed in the African, Other, Ashkenazi Jewish, or East Asian populations. This variant is located in the MSH6 promoter region, 8 nucleotides before the translational start. The nucleotide at this position is not perfectly conserved across species and the consequence of this substitution cannot be predicted with certainty. The MSH6 promoter region has a high GC content and consensus binding sequences for a number of transcription factors (Szadkowski 2002), suggesting variants in this region could affect expression. In summary, based on the above information the clinical significance of this variant cannot be determined with certainty at this time. This variant is classified as a variant of uncertain significance.

Mayo Clinic Laboratories, Mayo Clinic
Classification: Uncertain significance. Review status: no assertion criteria provided. Collection method: clinical testing. Allele origin: unknown. Not counted in ClinVar's aggregate classification.

Literature cited by the submitters: PubMed 26888055 (cited by Women's Health and Genetics/Laboratory Corporation of America, LabCorp and Quest Diagnostics Nichols Institute San Juan Capistrano); PubMed 35534704 (cited by Women's Health and Genetics/Laboratory Corporation of America, LabCorp and Quest Diagnostics Nichols Institute San Juan Capistrano); PubMed 27363726 (cited by Myriad Genetics, Inc.).

NM_000179.3(MSH6):c.-8C>T

Gene: MSH6 (mutS homolog 6; plus strand). Cytogenetic location: 2p16.3.
Variant type: single nucleotide variant.
Coding change: c.-8C>T on transcript NM_000179.3 (MANE Select); 8 bases upstream of the start codon, C replaced by T.
Molecular consequence: 5 prime UTR variant.
Genome position (GRCh38, 1-based): chr2:47,783,226, C>T. VCF-style: chr2-47783226-C-T. GRCh37 (hg19) VCF-style: chr2-48010365-C-T.
Other names: c.-8C>T (NM_001281492.2); c.-744C>T (NM_001281493.2).
Identifiers: ClinVar variation 89164 (VCV000089164.83), dbSNP rs565211544, ClinGen allele CA016627.